The following is an entry in ClinVar:

NM_006231.4(POLE):c.4642C>A (p.Pro1548Thr)

Gene: POLE (DNA polymerase epsilon, catalytic subunit; minus strand). Cytogenetic location: 12q24.33.
Variant type: single nucleotide variant.
Coding change: c.4642C>A on transcript NM_006231.4 (MANE Select); coding-DNA position 4642, C replaced by A.
Protein change: p.Pro1548Thr; replaces proline 1548 with threonine.
Molecular consequence: missense variant.
Genome position (GRCh38, 1-based): chr12:132,642,906, G>T on the plus strand (C>A on the coding strand, the complement: POLE is on the minus strand). VCF-style: chr12-132642906-G-T. GRCh37 (hg19) VCF-style: chr12-133219492-G-T.
Other names: c.4642C>A (NM_006231.2); short protein forms P1548T.
Identifiers: ClinVar variation 473679 (VCV000473679.14), dbSNP rs1555222725, ClinGen allele CA387379042.
Genomic context (GRCh38, chr12:132,642,906, plus strand): 5'-TGGCTCTGCAGATGGTCTTCAGGTCAGTTTCTGCCCGAACTTCGAAGGTGTGTTTGGGGG[G>T]TGGCAGGAGCTCAGGGCCCACCTTCTCCAGGAGGAGGCCGTGCTCTGCTGAGTACAGGGC-3'
Protein context (NP_006222.2, residues 1538-1558): LEKVGPELLP[Pro1548Thr]PKHTFEVRAE

ClinVar aggregate classification (germline): Uncertain significance. Review status: criteria provided, multiple submitters, no conflicts (2 of 4 stars). 3 submissions from 3 submitters: Uncertain significance (3). Last evaluated 2025-12-09.

Conditions:
Hereditary cancer-predisposing syndrome. Also called: Neoplastic Syndromes, Hereditary; Tumor predisposition; Hereditary Cancer Syndrome; Hereditary neoplastic syndrome. Identifiers: Orphanet 140162, MedGen C0027672, MeSH D009386, MONDO:0015356.

gnomAD v4.1: 2 of 1,613,678 alleles (0.00012%); highest among the groups gnomAD compares: Non-Finnish European, 0.000085%; no homozygotes.

Submissions (3):

Ambry Genetics
Classification: Uncertain significance for Hereditary cancer-predisposing syndrome. Last evaluated: 2025-12-09. Review status: criteria provided, single submitter. Criteria: Ambry Variant Classification Scheme 2023. Collection method: clinical testing. Allele origin: germline.

Labcorp Genetics (formerly Invitae), Labcorp
Classification: Uncertain significance. Last evaluated: 2025-09-08. Review status: criteria provided, single submitter. Criteria: Invitae Variant Classification Sherloc (09022015). Collection method: clinical testing. Allele origin: germline.
Comment: This sequence change replaces proline, which is neutral and non-polar, with threonine, which is neutral and polar, at codon 1548 of the POLE protein (p.Pro1548Thr). This variant is not present in population databases (gnomAD no frequency). This variant has not been reported in the literature in individuals affected with POLE-related conditions. ClinVar contains an entry for this variant (Variation ID: 473679). Invitae Evidence Modeling of protein sequence and biophysical properties (such as structural, functional, and spatial information, amino acid conservation, physicochemical variation, residue mobility, and thermodynamic stability) indicates that this missense variant is not expected to disrupt POLE protein function with a negative predictive value of 80%. In summary, the available evidence is currently insufficient to determine the role of this variant in disease. Therefore, it has been classified as a Variant of Uncertain Significance.

GeneDx
Classification: Uncertain significance. Last evaluated: 2024-09-15. Review status: criteria provided, single submitter. Criteria: GeneDx Variant Classification Process June 2021. Collection method: clinical testing. Allele origin: germline. Affected: yes.
Comment: Not observed at significant frequency in large population cohorts (gnomAD); In silico analysis supports that this missense variant has a deleterious effect on protein structure/function; Has not been previously published as pathogenic or benign to our knowledge